The following is an entry in ClinVar:

ClinVar aggregate classification (germline): Likely benign. Review status: criteria provided, multiple submitters, no conflicts (2 of 4 stars). 3 submissions from 3 submitters: Likely benign (3). Last evaluated 2026-02-01.

Conditions:
D-2-hydroxyglutaric aciduria 2 (D2HGA2). Identifiers: Orphanet 79315, MedGen C3150909, MONDO:0013345, OMIM 613657.

Allele frequency attached by ClinVar (database versions not stated): gnomAD exomes 0.00008; TOPMed 0.00009; gnomAD 0.00011; ExAC 0.00030.
gnomAD v4.1: 113 of 1,357,120 alleles (0.0083%); highest among the groups gnomAD compares: Non-Finnish European, 0.01%; 1 homozygote.

Submissions (3):

Labcorp Genetics (formerly Invitae), Labcorp
Classification: Likely benign for D-2-hydroxyglutaric aciduria 2. Last evaluated: 2026-02-01. Review status: criteria provided, single submitter. Criteria: Invitae Variant Classification Sherloc (09022015). Collection method: clinical testing. Allele origin: germline.

Blueprint Genetics
Classification: Likely benign. Last evaluated: 2024-11-21. Review status: criteria provided, single submitter. Criteria: ACMG Guidelines, 2015. Collection method: clinical testing. Allele origin: germline.

CeGaT Center for Human Genetics Tuebingen
Classification: Likely benign. Last evaluated: 2024-03-01. Review status: criteria provided, single submitter. Criteria: CeGaT Center For Human Genetics Tuebingen Variant Classification Criteria Version 2. Collection method: clinical testing. Allele origin: germline. Affected: yes. Observed: 1 variant allele.
Comment: IDH2: BP4, BP7

NM_002168.4(IDH2):c.75C>T (p.Ala25=)

Genes: IDH2 (isocitrate dehydrogenase (NADP(+)) 2; minus strand), IDH2-DT (IDH2 divergent transcript; plus strand). Cytogenetic location: 15q26.1.
Variant type: single nucleotide variant.
Coding change: c.75C>T on transcript NM_002168.4 (MANE Select); coding-DNA position 75, C replaced by T.
Protein change: p.Ala25=; no amino-acid change (alanine 25 retained).
Molecular consequence: synonymous variant. On other transcripts: non-coding transcript variant (1), 5 prime UTR variant (1).
Genome position (GRCh38, 1-based): chr15:90,102,316, G>A on the plus strand (C>T on the coding strand, the complement: IDH2 is on the minus strand). VCF-style: chr15-90102316-G-A. GRCh37 (hg19) VCF-style: chr15-90645548-G-A.
Other names: c.-58C>T (NM_001290114.2).
Identifiers: ClinVar variation 1562315 (VCV001562315.30), dbSNP rs754996897, ClinGen allele CA7733287.